The following is an entry in ClinVar:

ClinVar aggregate classification (germline): Conflicting classifications of pathogenicity. Review status: criteria provided, conflicting classifications (1 of 4 stars). 5 submissions from 5 submitters: Uncertain significance (1); Likely benign (3). 1 of the submissions does not count toward it. Last evaluated 2025-11-24.

Conditions:
PCNT-related disorder. Also called: PCNT-related condition.
Microcephalic osteodysplastic primordial dwarfism type II (MOPD2). Also called: Microcephalic osteodysplastic primordial dwarfism with tooth abnormalities; MOPD II; OSTEODYSPLASTIC PRIMORDIAL DWARFISM, TYPE II. Identifiers: Orphanet 2637, MedGen C0432246, MONDO:0008872, OMIM 210720.

Allele frequency attached by ClinVar (database versions not stated): gnomAD 0.00001 and 0.00003; TOPMed 0.00002; gnomAD exomes 0.00007 and 0.00018; 1000 Genomes Project 30x 0.00016; 1000 Genomes Project 0.00020; ExAC 0.00021.
gnomAD v4.1: 113 of 1,614,022 alleles (0.007%); highest among the groups gnomAD compares: South Asian, 0.093%; 1 homozygote.

Submissions (5):

Labcorp Genetics (formerly Invitae), Labcorp
Classification: Likely benign. Last evaluated: 2025-11-24. Review status: criteria provided, single submitter. Criteria: Invitae Variant Classification Sherloc (09022015). Collection method: clinical testing. Allele origin: germline.

CeGaT Center for Human Genetics Tuebingen
Classification: Likely benign. Last evaluated: 2023-04-01. Review status: criteria provided, single submitter. Criteria: CeGaT Center For Human Genetics Tuebingen Variant Classification Criteria Version 2. Collection method: clinical testing. Allele origin: germline. Affected: yes. Observed: 1 variant allele.
Comment: PCNT: BP4, BP7

ARUP Laboratories, Molecular Genetics and Genomics, ARUP Laboratories
Classification: Likely benign for Microcephalic osteodysplastic primordial dwarfism type II. Last evaluated: 2019-10-18. Review status: criteria provided, single submitter. Criteria: ARUP Molecular Germline Variant Investigation Process. Collection method: clinical testing. Allele origin: germline.

Genetic Services Laboratory, University of Chicago
Classification: Uncertain significance. Last evaluated: 2015-07-22. Review status: criteria provided, single submitter. Criteria: ACMG Guidelines, 2015. Collection method: clinical testing. Allele origin: germline.

PreventionGenetics, part of Exact Sciences
Classification: Likely benign for PCNT-related condition. Last evaluated: 2024-03-06. Review status: no assertion criteria provided. Collection method: clinical testing. Allele origin: germline. Not counted in ClinVar's aggregate classification.
Comment: This variant is classified as likely benign based on ACMG/AMP sequence variant interpretation guidelines (Richards et al. 2015 PMID: 25741868, with internal and published modifications).

NM_006031.6(PCNT):c.7104T>C (p.Pro2368=)

Gene: PCNT (pericentrin; plus strand). Cytogenetic location: 21q22.3.
Variant type: single nucleotide variant.
Coding change: c.7104T>C on transcript NM_006031.6 (MANE Select); coding-DNA position 7104, T replaced by C.
Protein change: p.Pro2368=; no amino-acid change (proline 2368 retained).
Molecular consequence: synonymous variant.
Genome position (GRCh38, 1-based): chr21:46,422,049, T>C. VCF-style: chr21-46422049-T-C. GRCh37 (hg19) VCF-style: chr21-47841963-T-C.
Other names: c.6750T>C, p.Pro2250= (NM_001315529.2).
Identifiers: ClinVar variation 211877 (VCV000211877.40), dbSNP rs576187743, ClinGen allele CA205565.